The following is an entry in ClinVar:

NM_032119.4(ADGRV1):c.18549G>A (p.Thr6183=)

Gene: ADGRV1 (adhesion G protein-coupled receptor V1; plus strand). Cytogenetic location: 5q14.3.
Variant type: single nucleotide variant.
Coding change: c.18549G>A on transcript NM_032119.4 (MANE Select); coding-DNA position 18549, G replaced by A.
Protein change: p.Thr6183=; no amino-acid change (threonine 6183 retained).
Molecular consequence: synonymous variant. On other transcripts: non-coding transcript variant (1).
Genome position (GRCh38, 1-based): chr5:91,150,146, G>A. VCF-style: chr5-91150146-G-A. GRCh37 (hg19) VCF-style: chr5-90445963-G-A.
Other names: c.18549G>A (NM_032119.3).
Identifiers: ClinVar variation 1597023 (VCV001597023.11), dbSNP rs192571483, ClinGen allele CA3342681.
Genomic context (GRCh38, chr5:91,150,146, plus strand): 5'-GAAGGCCAGTTACACTGTGGAAATGAATGGGCATCCTGGACCCAGCACAGCCTTTTTCAC[G>A]CCCGGGAGTGGAATGCCTCCTGCTGGAGGGGAAATCAGCAAGTCCACCCAGAATCTCATC-3'
Protein context (NP_115495.3, residues 6173-6193): GHPGPSTAFF[Thr6183=]PGSGMPPAGG

ClinVar aggregate classification (germline): Likely benign. Review status: criteria provided, multiple submitters, no conflicts (2 of 4 stars). 3 submissions from 3 submitters: Likely benign (2). 1 of the submissions does not count toward it. Last evaluated 2025-10-25.

Conditions:
ADGRV1-related disorder. Also called: ADGRV1-related disorders; ADGRV1-related condition.

Allele frequency attached by ClinVar (database versions not stated): gnomAD 0.00004 and 0.00005; ESP Exome Variant Server 0.00008; 1000 Genomes Project 0.00040; 1000 Genomes Project 30x 0.00047.
gnomAD v4.1: 84 of 1,593,862 alleles (0.0053%); highest among the groups gnomAD compares: Middle Eastern, 0.067%; no homozygotes.

Submissions (3):

Labcorp Genetics (formerly Invitae), Labcorp
Classification: Likely benign. Last evaluated: 2025-10-25. Review status: criteria provided, single submitter. Criteria: Invitae Variant Classification Sherloc (09022015). Collection method: clinical testing. Allele origin: germline.

Blueprint Genetics
Classification: Likely benign. Last evaluated: 2024-02-21. Review status: criteria provided, single submitter. Criteria: ACMG Guidelines, 2015. Collection method: clinical testing. Allele origin: germline.

PreventionGenetics, part of Exact Sciences
Classification: Likely benign for ADGRV1-related condition. Last evaluated: 2019-06-11. Review status: no assertion criteria provided. Collection method: clinical testing. Allele origin: germline. Not counted in ClinVar's aggregate classification.
Comment: This variant is classified as likely benign based on ACMG/AMP sequence variant interpretation guidelines (Richards et al. 2015 PMID: 25741868, with internal and published modifications).